The following is an entry in ClinVar:

NM_153240.5(NPHP3):c.3571-11_3571-10del

Genes: NPHP3 (nephrocystin 3; minus strand), NPHP3-ACAD11 (NPHP3-ACAD11 readthrough (NMD candidate); minus strand). Cytogenetic location: 3q22.1.
Variant type: Deletion.
Coding change: c.3571-11_3571-10del on transcript NM_153240.5 (MANE Select); 11 bases into the intron before coding-DNA position 3571 through 10 bases into the intron before coding-DNA position 3571, 2 bases deleted (TT; older notation c.3571-11_3571-10delTT).
Molecular consequence: intron variant.
Genome position (GRCh38, 1-based): chr3:132,683,534-132,683,535, AA deleted on the plus strand (TT on the coding strand, the reverse complement: NPHP3 is on the minus strand). VCF-style (leftmost placement, unchanged base first): chr3-132683533-CAA-C. GRCh37 (hg19) VCF-style: chr3-132402377-CAA-C.
Identifiers: ClinVar variation 2032428 (VCV002032428.4), dbSNP rs1367088941, ClinGen allele CA899015136.

ClinVar aggregate classification (germline): Uncertain significance (1 of 4 stars; one submission).

Conditions:
Nephronophthisis. Also called: Juvenile Nephronophthisis. Identifiers: Orphanet 655, MedGen C0687120, MONDO:0019005, HP:0000090.

Allele frequency attached by ClinVar (database versions not stated): gnomAD 0.00001; gnomAD exomes 0.00001; TOPMed 0.00001.

Submission:

Labcorp Genetics (formerly Invitae), Labcorp
Classification: Uncertain significance for Nephronophthisis. Last evaluated: 2024-02-24. Review status: criteria provided, single submitter. Criteria: Invitae Variant Classification Sherloc (09022015). Collection method: clinical testing. Allele origin: germline.
Comment: This sequence change falls in intron 24 of the NPHP3 gene. It does not directly change the encoded amino acid sequence of the NPHP3 protein. This variant is not present in population databases (gnomAD no frequency). This variant has not been reported in the literature in individuals affected with NPHP3-related conditions. ClinVar contains an entry for this variant (Variation ID: 2032428). Algorithms developed to predict the effect of sequence changes on RNA splicing suggest that this variant may disrupt the consensus splice site. In summary, the available evidence is currently insufficient to determine the role of this variant in disease. Therefore, it has been classified as a Variant of Uncertain Significance.